The following is an entry in ClinVar:

ClinVar aggregate classification (germline): Likely pathogenic (1 of 4 stars; one submission).

Conditions:
Cohen syndrome (COH1). Also called: PEPPER SYNDROME; Cutis verticis gyrata, retinitis pigmentosa, and sensorineural deafness. Identifiers: Orphanet 193, MedGen C0265223, MONDO:0008999, OMIM 216550.

Submission:

Natera, Inc.
Classification: Likely pathogenic for Cohen syndrome. Last evaluated: 2024-02-25. Review status: criteria provided, single submitter. Criteria: Natera Variant Classification Schema (03/2026). Collection method: clinical testing. Allele origin: germline.
Comment: The c.7304delA variant in VPS13B is a frameshift variant predicted to shift the reading frame beginning at codon 2435 and leads to a stop codon 22 codons downstream. This variant is expected to result in nonsense mediated decay, truncation, or a dysfunctional protein product. This variant is rare in the general population with a frequency below the threshold expected for the associated phenotype(s). Given the available evidence, this variant is classified as Likely Pathogenic.

NM_152564.5(VPS13B):c.7229del (p.Asn2410fs)

Gene: VPS13B (vacuolar protein sorting 13 homolog B; plus strand). Cytogenetic location: 8q22.2.
Variant type: Deletion.
Coding change: c.7229del on transcript NM_152564.5 (MANE Select); coding-DNA position 7229, one base deleted (A; older notation c.7229delA).
Protein change: p.Asn2410fs; shifts the reading frame from asparagine 2410.
Molecular consequence: frameshift variant.
Genome position (GRCh38, 1-based): chr8:99,766,952, A deleted; the last of 4 consecutive A bases (chr8:99,766,949-99,766,952); deleting any one gives the same sequence. VCF-style (leftmost placement, unchanged base first): chr8-99766948-CA-C. GRCh37 (hg19) VCF-style: chr8-100779176-CA-C.
Other names: c.7304del, p.Asn2435fs (NM_017890.5); short protein forms N2410fs, N2435fs.
Identifiers: ClinVar variation 4815970 (VCV004815970.1).